The following is an entry in ClinVar:

ClinVar aggregate classification (germline): Uncertain significance. Review status: criteria provided, multiple submitters, no conflicts (2 of 4 stars). 4 submissions from 4 submitters: Uncertain significance (4). Last evaluated 2025-12-20.

Conditions:
Inborn genetic diseases. Identifiers: MedGen C0950123, MeSH D030342.
Atrioventricular septal defect 5 (AVSD5). Identifiers: MedGen C3280939, MONDO:0013769, OMIM 614474.

Allele frequency attached by ClinVar (database versions not stated): TOPMed below 0.00001; gnomAD 0.00001; gnomAD exomes 0.00001.
gnomAD v4.1: 14 of 1,572,430 alleles (0.00089%); highest among the groups gnomAD compares: Non-Finnish European, 0.0012%; no homozygotes.

Submissions (4):

Labcorp Genetics (formerly Invitae), Labcorp
Classification: Uncertain significance for Atrioventricular septal defect 5. Last evaluated: 2025-12-20. Review status: criteria provided, single submitter. Criteria: Invitae Variant Classification Sherloc (09022015). Collection method: clinical testing. Allele origin: germline.
Comment: This sequence change replaces valine, which is neutral and non-polar, with methionine, which is neutral and non-polar, at codon 170 of the GATA6 protein (p.Val170Met). This variant is present in population databases (no rsID available, gnomAD 0.007%). This variant has not been reported in the literature in individuals affected with GATA6-related conditions. ClinVar contains an entry for this variant (Variation ID: 1445025). Invitae Evidence Modeling of protein sequence and biophysical properties (such as structural, functional, and spatial information, amino acid conservation, physicochemical variation, residue mobility, and thermodynamic stability) indicates that this missense variant is not expected to disrupt GATA6 protein function with a negative predictive value of 80%. In summary, the available evidence is currently insufficient to determine the role of this variant in disease. Therefore, it has been classified as a Variant of Uncertain Significance.

Ambry Genetics
Classification: Uncertain significance for Inborn genetic diseases. Last evaluated: 2025-03-20. Review status: criteria provided, single submitter. Criteria: Ambry Variant Classification Scheme 2023. Collection method: clinical testing. Allele origin: germline.

GeneDx
Classification: Uncertain significance. Last evaluated: 2023-04-06. Review status: criteria provided, single submitter. Criteria: GeneDx Variant Classification Process June 2021. Collection method: clinical testing. Allele origin: germline. Affected: yes.
Comment: Not observed at significant frequency in large population cohorts (gnomAD); In silico analysis supports that this missense variant does not alter protein structure/function; Has not been previously published as pathogenic or benign to our knowledge

Women's Health and Genetics/Laboratory Corporation of America, LabCorp
Classification: Uncertain significance. Last evaluated: 2022-11-02. Review status: criteria provided, single submitter. Criteria: LabCorp Variant Classification Summary - May 2015. Collection method: clinical testing. Allele origin: germline.
Comment: Variant summary: GATA6 c.508G>A (p.Val170Met) results in a conservative amino acid change located in the GATA-type transcription activator, N-terminal domain (IPR008013) of the encoded protein sequence. Four of five in-silico tools predict a benign effect of the variant on protein function. The variant was absent in 180980 control chromosomes (gnomAD). The available data on variant occurrences in the general population are insufficient to allow any conclusion about variant significance. To our knowledge, no occurrence of c.508G>A in individuals affected with GATA6-Related Disorders and no experimental evidence demonstrating its impact on protein function have been reported. One clinical diagnostic laboratory has submitted clinical-significance assessments for this variant to ClinVar after 2014 and classified the variant as uncertain significance. Based on the evidence outlined above, the variant was classified as uncertain significance.

NM_005257.6(GATA6):c.508G>A (p.Val170Met)

Gene: GATA6 (GATA binding protein 6; plus strand). Cytogenetic location: 18q11.2.
Variant type: single nucleotide variant.
Coding change: c.508G>A on transcript NM_005257.6 (MANE Select); coding-DNA position 508, G replaced by A.
Protein change: p.Val170Met; replaces valine 170 with methionine.
Molecular consequence: missense variant.
Genome position (GRCh38, 1-based): chr18:22,171,652, G>A. VCF-style: chr18-22171652-G-A. GRCh37 (hg19) VCF-style: chr18-19751613-G-A.
Other names: c.508G>A (NM_005257.3, NM_005257.4); short protein forms V170M.
Identifiers: ClinVar variation 1445025 (VCV001445025.10), dbSNP rs1343278963, ClinGen allele CA401799813.